The following is an entry in ClinVar:

ClinVar aggregate classification (germline): Uncertain significance (1 of 4 stars; one submission).

Conditions:
Nephronophthisis. Also called: Juvenile Nephronophthisis. Identifiers: Orphanet 655, MedGen C0687120, MONDO:0019005, HP:0000090.

Allele frequency attached by ClinVar (database versions not stated): gnomAD exomes below 0.00001.
gnomAD v4.1: 2 of 1,612,302 alleles (0.00012%); highest among the groups gnomAD compares: Admixed American, 0.0017%; no homozygotes.

Submission:

Labcorp Genetics (formerly Invitae), Labcorp
Classification: Uncertain significance for Nephronophthisis. Last evaluated: 2023-08-04. Review status: criteria provided, single submitter. Criteria: Invitae Variant Classification Sherloc (09022015). Collection method: clinical testing. Allele origin: germline.
Comment: This variant is present in population databases (no rsID available, gnomAD 0.003%). This sequence change replaces asparagine, which is neutral and polar, with threonine, which is neutral and polar, at codon 1061 of the INVS protein (p.Asn1061Thr). This variant has not been reported in the literature in individuals affected with INVS-related conditions. ClinVar contains an entry for this variant (Variation ID: 2133521). Algorithms developed to predict the effect of missense changes on protein structure and function output the following: SIFT: "Not Available"; PolyPhen-2: "Benign"; Align-GVGD: "Not Available". The threonine amino acid residue is found in multiple mammalian species, which suggests that this missense change does not adversely affect protein function. In summary, the available evidence is currently insufficient to determine the role of this variant in disease. Therefore, it has been classified as a Variant of Uncertain Significance.

NM_014425.5(INVS):c.3182A>C (p.Asn1061Thr)

Gene: INVS (inversin; plus strand). Cytogenetic location: 9q31.1.
Variant type: single nucleotide variant.
Coding change: c.3182A>C on transcript NM_014425.5 (MANE Select); coding-DNA position 3182, A replaced by C.
Protein change: p.Asn1061Thr; replaces asparagine 1061 with threonine.
Molecular consequence: missense variant. On other transcripts: non-coding transcript variant (1).
Genome position (GRCh38, 1-based): chr9:100,300,658, A>C. VCF-style: chr9-100300658-A-C. GRCh37 (hg19) VCF-style: chr9-103062940-A-C.
Other names: c.2894A>C, p.Asn965Thr (NM_001318381.2); c.2204A>C, p.Asn735Thr (NM_001318382.2); short protein forms N1061T, N735T, N965T.
Identifiers: ClinVar variation 2133521 (VCV002133521.4), dbSNP rs1181929610, ClinGen allele CA374245838.